The following is an entry in ClinVar:

NM_020297.4(ABCC9):c.1012-2A>G

Gene: ABCC9 (ATP binding cassette subfamily C member 9; minus strand). Cytogenetic location: 12p12.1.
Variant type: single nucleotide variant.
Coding change: c.1012-2A>G on transcript NM_020297.4 (MANE Select); the canonical splice acceptor site of the intron before coding-DNA position 1012, A replaced by G.
Molecular consequence: splice acceptor variant.
Genome position (GRCh38, 1-based): chr12:21,910,980, T>C on the plus strand (A>G on the coding strand, the complement: ABCC9 is on the minus strand). VCF-style: chr12-21910980-T-C. GRCh37 (hg19) VCF-style: chr12-22063914-T-C.
Other names: c.148-2A>G (NM_001377274.1); c.1012-2A>G (NM_005691.4, NM_001377273.1).
Identifiers: ClinVar variation 546502 (VCV000546502.8), dbSNP rs1345994016, ClinGen allele CA384120426.

ClinVar aggregate classification (germline): Conflicting classifications of pathogenicity. Review status: criteria provided, conflicting classifications (1 of 4 stars). 3 submissions from 3 submitters: Likely pathogenic (1); Uncertain significance (2). Last evaluated 2025-11-16.

Conditions:
Dilated cardiomyopathy 1O (CMD1O). Also called: CARDIOMYOPATHY, DILATED, WITH VENTRICULAR TACHYCARDIA. Identifiers: Orphanet 154, MedGen C1837839, MONDO:0012062, OMIM 608569.
Hypertrichotic osteochondrodysplasia Cantu type. Also called: Cantu Syndrome; Cantú Syndrome. Identifiers: Orphanet 1517, MedGen C0795905, MONDO:0009406, OMIM 239850.
Atrial fibrillation, familial, 12 (ATFB12). Identifiers: MedGen C3279695, MONDO:0013545, OMIM 614050.
Intellectual disability and myopathy syndrome (IDMYS). Identifiers: MedGen C5676904, MONDO:0859224, OMIM 619719.

Allele frequency attached by ClinVar (database versions not stated): gnomAD exomes below 0.00001; gnomAD 0.00001.
gnomAD v4.1: 2 of 1,611,794 alleles (0.00012%); highest among the groups gnomAD compares: Non-Finnish European, 0.00017%; no homozygotes.

Submissions (3):

Labcorp Genetics (formerly Invitae), Labcorp
Classification: Likely pathogenic for Dilated cardiomyopathy 1O. Last evaluated: 2025-11-16. Review status: criteria provided, single submitter. Criteria: Invitae Variant Classification Sherloc (09022015). Collection method: clinical testing. Allele origin: germline.
Comment: This sequence change affects an acceptor splice site in intron 6 of the ABCC9 gene. It is expected to disrupt RNA splicing. Variants that disrupt the donor or acceptor splice site typically lead to a loss of protein function (PMID: 16199547), and loss-of-function variants in ABCC9 are known to be pathogenic (PMID: 31575858, 38217872). The frequency data for this variant in the population databases is considered unreliable, as metrics indicate poor data quality at this position in the gnomAD database. This variant has not been reported in the literature in individuals affected with ABCC9-related conditions. ClinVar contains an entry for this variant (Variation ID: 546502). Algorithms developed to predict the effect of sequence changes on RNA splicing suggest that this variant may disrupt the consensus splice site. In summary, the currently available evidence indicates that the variant is pathogenic, but additional data are needed to prove that conclusively. Therefore, this variant has been classified as Likely Pathogenic.

Fulgent Genetics
Classification: Uncertain significance for Hypertrichotic osteochondrodysplasia Cantu type; Dilated cardiomyopathy 1O; Atrial fibrillation, familial, 12; Intellectual disability and myopathy syndrome. Last evaluated: 2021-09-04. Review status: criteria provided, single submitter. Criteria: ACMG Guidelines, 2015. Collection method: clinical testing. Allele origin: unknown.

GeneDx
Classification: Uncertain significance. Last evaluated: 2018-05-30. Review status: criteria provided, single submitter. Criteria: GeneDx Variant Classification (06012015). Collection method: clinical testing. Allele origin: germline. Affected: yes.
Comment: A variant of uncertain significance has been identified in the ABCC9 gene. The c.1012-2 A>G variant has not been published as pathogenic or been reported as benign to our knowledge. This variant is also not observed at a significant frequency in large population cohorts (Lek et al., 2016). The c.1012-2 A>G variant destroys the canonical splice acceptor site in intron 6 and is predicted to cause abnormal gene splicing. However, no other splice site variants definitively associated with cardiomyopathy in the ABCC9 gene have been reported in HGMD (Stenson et al., 2014). Additionally, in the absence of functional mRNA studies, the physiological consequence of this variant cannot be precisely determined.

Literature cited by the submitters: PubMed 16199547 (cited by Labcorp Genetics (formerly Invitae), Labcorp); PubMed 31575858 (cited by Labcorp Genetics (formerly Invitae), Labcorp); PubMed 38217872 (cited by Labcorp Genetics (formerly Invitae), Labcorp).